The following is an entry in ClinVar:

ClinVar aggregate classification (germline): Uncertain significance. Review status: criteria provided, multiple submitters, no conflicts (2 of 4 stars). 2 submissions from 2 submitters: Uncertain significance (2). Last evaluated 2024-03-24.

Allele frequency attached by ClinVar (database versions not stated): gnomAD exomes below 0.00001; TOPMed below 0.00001.
gnomAD v4.1: 1 of 1,177,659 alleles (0.000085%); highest among the groups gnomAD compares: Non-Finnish European, 0.00011%; no homozygotes.

Submissions (2):

GeneDx
Classification: Uncertain significance. Last evaluated: 2024-03-24. Review status: criteria provided, single submitter. Criteria: GeneDx Variant Classification Process June 2021. Collection method: clinical testing. Allele origin: germline. Affected: yes.
Comment: Not observed at significant frequency in large population cohorts (gnomAD); In silico analysis supports that this missense variant does not alter protein structure/function; Has not been previously published as pathogenic or benign to our knowledge

Labcorp Genetics (formerly Invitae), Labcorp
Classification: Uncertain significance. Last evaluated: 2022-10-28. Review status: criteria provided, single submitter. Criteria: Invitae Variant Classification Sherloc (09022015). Collection method: clinical testing. Allele origin: germline.
Comment: In summary, the available evidence is currently insufficient to determine the role of this variant in disease. Therefore, it has been classified as a Variant of Uncertain Significance. Advanced modeling of protein sequence and biophysical properties (such as structural, functional, and spatial information, amino acid conservation, physicochemical variation, residue mobility, and thermodynamic stability) performed at Invitae indicates that this missense variant is not expected to disrupt STAG2 protein function. This variant has not been reported in the literature in individuals affected with STAG2-related conditions. This variant is not present in population databases (gnomAD no frequency). This sequence change replaces aspartic acid, which is acidic and polar, with asparagine, which is neutral and polar, at codon 840 of the STAG2 protein (p.Asp840Asn).

NM_001042750.2(STAG2):c.2518G>A (p.Asp840Asn)

Gene: STAG2 (STAG2 cohesin complex component; plus strand). Cytogenetic location: Xq25.
Variant type: single nucleotide variant.
Coding change: c.2518G>A on transcript NM_001042750.2 (MANE Select); coding-DNA position 2518, G replaced by A.
Protein change: p.Asp840Asn; replaces aspartic acid 840 with asparagine.
Molecular consequence: missense variant.
Genome position (GRCh38, 1-based): chrX:124,071,308, G>A. VCF-style: chrX-124071308-G-A. GRCh37 (hg19) VCF-style: chrX-123205158-G-A.
Other names: c.2518G>A, p.Asp840Asn (NM_001042749.2, NM_001042751.2, NM_001282418.2 and 13 more transcripts); short protein forms D840N.
Identifiers: ClinVar variation 2810418 (VCV002810418.4), dbSNP rs2058657386, ClinGen allele CA414276903.